The following is an entry in ClinVar:

ClinVar aggregate classification (germline): Benign. Review status: criteria provided, multiple submitters, no conflicts (2 of 4 stars). 5 submissions from 5 submitters: Benign (5). Last evaluated 2026-01-24.

Conditions:
Cataract 3 multiple types. Also called: CATARACT 3, MULTIPLE TYPES, WITH OR WITHOUT MICROCORNEA. Identifiers: Orphanet 1377, MedGen C1832175, MONDO:0011104, OMIM 601547.

Allele frequency attached by ClinVar (database versions not stated): ESP Exome Variant Server 0.23328; gnomAD exomes 0.23422 and 0.27673; gnomAD 0.24115 and 0.24849; TOPMed 0.25643; ExAC 0.27718; 1000 Genomes Project 30x 0.32730; 1000 Genomes Project 0.33027.
gnomAD v4.1: 381,289 of 1,613,704 alleles (24%); highest among the groups gnomAD compares: South Asian, 43%; 48,773 homozygotes.

Submissions (5):

Labcorp Genetics (formerly Invitae), Labcorp
Classification: Benign for Cataract 3 multiple types. Last evaluated: 2026-01-24. Review status: criteria provided, single submitter. Criteria: Invitae Variant Classification Sherloc (09022015). Collection method: clinical testing. Allele origin: germline.

Genome-Nilou Lab
Classification: Benign for Cataract 3 multiple types. Last evaluated: 2021-07-30. Review status: criteria provided, single submitter. Criteria: ACMG Guidelines, 2015. Collection method: clinical testing. Allele origin: germline. Affected: no.

GeneDx
Classification: Benign. Last evaluated: 2018-03-24. Review status: criteria provided, single submitter. Criteria: GeneDx Variant Classification (06012015). Collection method: clinical testing. Allele origin: germline. Affected: yes.
Comment: This variant is considered likely benign or benign based on one or more of the following criteria: it is a conservative change, it occurs at a poorly conserved position in the protein, it is predicted to be benign by multiple in silico algorithms, and/or has population frequency not consistent with disease.

Breakthrough Genomics
Classification: Benign. Review status: criteria provided, single submitter. Criteria: ACMG Guidelines, 2015. Collection method: not provided. Allele origin: germline. Inheritance: Autosomal dominant inheritance. Affected: yes.

PreventionGenetics, part of Exact Sciences
Classification: Benign. Review status: criteria provided, single submitter. Criteria: ACMG Guidelines, 2015. Collection method: clinical testing. Allele origin: germline.

NM_000496.3(CRYBB2):c.483G>A (p.Gly161=)

Gene: CRYBB2 (crystallin beta B2; plus strand). Cytogenetic location: 22q11.23.
Variant type: single nucleotide variant.
Coding change: c.483G>A on transcript NM_000496.3 (MANE Select); coding-DNA position 483, G replaced by A.
Protein change: p.Gly161=; no amino-acid change (glycine 161 retained).
Molecular consequence: synonymous variant.
Genome position (GRCh38, 1-based): chr22:25,231,637, G>A. VCF-style: chr22-25231637-G-A. GRCh37 (hg19) VCF-style: chr22-25627604-G-A.
Identifiers: ClinVar variation 256283 (VCV000256283.15), dbSNP rs8140949, ClinGen allele CA10158047.
Genomic context (GRCh38, chr22:25,231,637, plus strand): 5'-ACCCTCCCATCACCTCTGGCCCTGCAGGTGGGTTGGCTACCAGTACCCCGGCTACCGTGG[G>A]CTGCAGTACCTGCTGGAGAAGGGAGACTACAAGGACAGCAGCGACTTTGGGGCCCCTCAC-3'
Protein context (NP_000487.1, residues 151-171): WVGYQYPGYR[Gly161=]LQYLLEKGDY